The following is an entry in ClinVar:

ClinVar aggregate classification (germline): Pathogenic (1 of 4 stars; one submission).

Conditions:
Neurofibromatosis, type 1 (NF1). Also called: NEUROFIBROMATOSIS, TYPE I, SOMATIC; Neurofibromatosis, type I; Peripheral type neurofibromatosis; VON RECKLINGHAUSEN DISEASE. Identifiers: Orphanet 636, MedGen C0027831, MONDO:0018975, OMIM 162200. Disease mechanism: loss of function.

Submission:

Labcorp Genetics (formerly Invitae), Labcorp
Classification: Pathogenic for Neurofibromatosis, type 1. Last evaluated: 2022-08-25. Review status: criteria provided, single submitter. Criteria: Invitae Variant Classification Sherloc (09022015). Collection method: clinical testing. Allele origin: germline.
Comment: For these reasons, this variant has been classified as Pathogenic. This variant has not been reported in the literature in individuals affected with NF1-related conditions. This variant is not present in population databases (gnomAD no frequency). This sequence change creates a premature translational stop signal (p.Gln2218Profs*13) in the NF1 gene. It is expected to result in an absent or disrupted protein product. Loss-of-function variants in NF1 are known to be pathogenic (PMID: 10712197, 23913538).

Literature cited by the submitters: PubMed 10712197; PubMed 23913538.

NM_001042492.3(NF1):c.6716_6729del (p.Gln2239fs)

Gene: NF1 (neurofibromin 1; plus strand). Cytogenetic location: 17q11.2.
Variant type: Deletion.
Coding change: c.6716_6729del on transcript NM_001042492.3 (MANE Select); coding-DNA positions 6716 to 6729, 14 bases deleted (AATATAATCCATCC).
Protein change: p.Gln2239fs; shifts the reading frame from glutamine 2239.
Molecular consequence: frameshift variant.
Genome position (GRCh38, 1-based): chr17:31,338,036-31,338,049, AATATAATCCATCC deleted; deleting any 14 consecutive bases within chr17:31,338,033-31,338,049 gives the same sequence; the c. name uses the placement nearest the transcript's 3' end. VCF-style (leftmost placement, unchanged base first): chr17-31338032-TTCCAATATAATCCA-T. GRCh37 (hg19) VCF-style: chr17-29665050-TTCCAATATAATCCA-T.
Other names: c.6653_6666delAATATAATCCATCC, p.Gln2218Profs (NM_000267.4); short protein forms Q2218fs, Q2239fs.
Identifiers: ClinVar variation 2025590 (VCV002025590.4), dbSNP rs2508758967, ClinGen allele CA2580093135.